The following is an entry in ClinVar:

NM_002609.4(PDGFRB):c.3068T>G (p.Ile1023Ser)

Gene: PDGFRB (platelet derived growth factor receptor beta; minus strand). Cytogenetic location: 5q32.
Variant type: single nucleotide variant.
Coding change: c.3068T>G on transcript NM_002609.4 (MANE Select); coding-DNA position 3068, T replaced by G.
Protein change: p.Ile1023Ser; replaces isoleucine 1023 with serine.
Molecular consequence: missense variant.
Genome position (GRCh38, 1-based): chr5:150,117,687, A>C on the plus strand (T>G on the coding strand, the complement: PDGFRB is on the minus strand). VCF-style: chr5-150117687-A-C. GRCh37 (hg19) VCF-style: chr5-149497250-A-C.
Other names: c.2876T>G, p.Ile959Ser (NM_001355016.2); c.2585T>G, p.Ile862Ser (NM_001355017.2); short protein forms I1023S, I862S, I959S.
Identifiers: ClinVar variation 4535180 (VCV004535180.6).

ClinVar aggregate classification (germline): Uncertain significance (1 of 4 stars; one submission).

Submission:

CeGaT Center for Human Genetics Tuebingen
Classification: Uncertain significance. Last evaluated: 2025-11-01. Review status: criteria provided, single submitter. Criteria: CeGaT Center For Human Genetics Tuebingen Variant Classification Criteria Version 2. Collection method: clinical testing. Allele origin: germline. Affected: yes. Observed: 1 variant allele.
Comment: PDGFRB: PM2, PP3